The following is an entry in ClinVar:

ClinVar aggregate classification (germline): Uncertain significance (1 of 4 stars; one submission).

Conditions:
Hereditary cancer-predisposing syndrome. Also called: Neoplastic Syndromes, Hereditary; Tumor predisposition; Hereditary Cancer Syndrome; Hereditary neoplastic syndrome. Identifiers: Orphanet 140162, MedGen C0027672, MeSH D009386, MONDO:0015356.

Submission:

Ambry Genetics
Classification: Uncertain significance for Hereditary cancer-predisposing syndrome. Last evaluated: 2025-11-05. Review status: criteria provided, single submitter. Criteria: Ambry Variant Classification Scheme 2023. Collection method: clinical testing. Allele origin: germline.
Comment: The p.M1998L variant (also known as c.5992A>C), located in coding exon 43 of the POLE gene, results from an A to C substitution at nucleotide position 5992. The methionine at codon 1998 is replaced by leucine, an amino acid with highly similar properties. This amino acid position is conserved. In addition, the in silico prediction for this alteration is inconclusive. Based on the available evidence, the clinical significance of this variant remains unclear.

NM_006231.4(POLE):c.5992A>C (p.Met1998Leu)

Gene: POLE (DNA polymerase epsilon, catalytic subunit; minus strand). Cytogenetic location: 12q24.33.
Variant type: single nucleotide variant.
Coding change: c.5992A>C on transcript NM_006231.4 (MANE Select); coding-DNA position 5992, A replaced by C.
Protein change: p.Met1998Leu; replaces methionine 1998 with leucine.
Molecular consequence: missense variant.
Genome position (GRCh38, 1-based): chr12:132,634,198, T>G on the plus strand (A>C on the coding strand, the complement: POLE is on the minus strand). VCF-style: chr12-132634198-T-G. GRCh37 (hg19) VCF-style: chr12-133210784-T-G.
Other names: short protein forms M1998L.
Identifiers: ClinVar variation 4670613 (VCV004670613.1).